The following is an entry in ClinVar:

NM_001375808.2(LPIN2):c.2640C>G (p.Phe880Leu)

Gene: LPIN2 (lipin 2; minus strand). Cytogenetic location: 18p11.31.
Variant type: single nucleotide variant.
Coding change: c.2640C>G on transcript NM_001375808.2 (MANE Select); coding-DNA position 2640, C replaced by G.
Protein change: p.Phe880Leu; replaces phenylalanine 880 with leucine.
Molecular consequence: missense variant.
Genome position (GRCh38, 1-based): chr18:2,920,344, G>C on the plus strand (C>G on the coding strand, the complement: LPIN2 is on the minus strand). VCF-style: chr18-2920344-G-C. GRCh37 (hg19) VCF-style: chr18-2920342-G-C.
Other names: c.2640C>G, p.Phe880Leu (NM_001375809.1, NM_014646.2); short protein forms F880L.
Identifiers: ClinVar variation 2747416 (VCV002747416.3), dbSNP rs754603570, ClinGen allele CA401693786.

ClinVar aggregate classification (germline): Uncertain significance (1 of 4 stars; one submission).

Conditions:
Majeed syndrome (MJDS). Also called: LPIN2-Related Majeed Syndrome; CHRONIC RECURRENT MULTIFOCAL OSTEOMYELITIS 1, WITH CONGENITAL DYSERYTHROPOIETIC ANEMIA, WITH OR WITHOUT NEUTROPHILIC DERMATOSIS. Identifiers: Orphanet 77297, MedGen C1864997, MONDO:0012316, OMIM 609628.

Submission:

Labcorp Genetics (formerly Invitae), Labcorp
Classification: Uncertain significance for Majeed syndrome. Last evaluated: 2023-09-11. Review status: criteria provided, single submitter. Criteria: Invitae Variant Classification Sherloc (09022015). Collection method: clinical testing. Allele origin: germline.
Comment: In summary, the available evidence is currently insufficient to determine the role of this variant in disease. Therefore, it has been classified as a Variant of Uncertain Significance. Advanced modeling of protein sequence and biophysical properties (such as structural, functional, and spatial information, amino acid conservation, physicochemical variation, residue mobility, and thermodynamic stability) performed at Invitae indicates that this missense variant is expected to disrupt LPIN2 protein function. This variant has not been reported in the literature in individuals affected with LPIN2-related conditions. This variant is not present in population databases (gnomAD no frequency). This sequence change replaces phenylalanine, which is neutral and non-polar, with leucine, which is neutral and non-polar, at codon 880 of the LPIN2 protein (p.Phe880Leu).